The following is an entry in ClinVar:

ClinVar aggregate classification (germline): Benign/Likely benign. Review status: criteria provided, multiple submitters, no conflicts (2 of 4 stars). 13 submissions from 12 submitters: Benign (8); Likely benign (3). 2 of the submissions do not count toward it. Last evaluated 2026-02-01.

Conditions:
Cardiovascular phenotype. Identifiers: MedGen CN230736.
Catecholaminergic polymorphic ventricular tachycardia 1. Also called: VENTRICULAR TACHYCARDIA, STRESS-INDUCED POLYMORPHIC 1; RYR2-Related Catecholaminergic Polymorphic Ventricular Tachycardia; VENTRICULAR TACHYCARDIA, CATECHOLAMINERGIC POLYMORPHIC, 1, WITH OR WITHOUT ATRIAL DYSFUNCTION AND/OR DILATED CARDIOMYOPATHY. Identifiers: Orphanet 3286, MedGen C1631597, MONDO:0011484, OMIM 604772.
Arrhythmogenic right ventricular dysplasia 2. Identifiers: MedGen C1832931.

Allele frequency attached by ClinVar (database versions not stated): gnomAD exomes 0.00054; ExAC 0.00082; gnomAD 0.00203 and 0.00211; ESP Exome Variant Server 0.00210; 1000 Genomes Project 30x 0.00219; TOPMed 0.00230; 1000 Genomes Project 0.00240.
gnomAD v4.1: 589 of 1,446,994 alleles (0.041%); highest among the groups gnomAD compares: African/African-American, 0.77%; 9 homozygotes.

Submissions (13):

CeGaT Center for Human Genetics Tuebingen
Classification: Likely benign. Last evaluated: 2026-02-01. Review status: criteria provided, single submitter. Criteria: CeGaT Center For Human Genetics Tuebingen Variant Classification Criteria Version 2. Collection method: clinical testing. Allele origin: germline. Affected: yes. Observed: 2 variant alleles.
Comment: RYR2: BP4, BS1

Labcorp Genetics (formerly Invitae), Labcorp
Classification: Benign for Catecholaminergic polymorphic ventricular tachycardia 1. Last evaluated: 2026-01-27. Review status: criteria provided, single submitter. Criteria: Invitae Variant Classification Sherloc (09022015). Collection method: clinical testing. Allele origin: germline.

Molecular Diagnostic Laboratory for Inherited Cardiovascular Disease, Montreal Heart Institute
Classification: Benign. Last evaluated: 2025-04-09. Review status: criteria provided, single submitter. Criteria: ACMG Guidelines, 2015. Collection method: clinical testing. Allele origin: germline. Affected: no.

ARUP Laboratories, Molecular Genetics and Genomics, ARUP Laboratories
Classification: Benign. Last evaluated: 2025-04-08. Review status: criteria provided, single submitter. Criteria: ARUP Molecular Germline Variant Investigation Process 2024. Collection method: clinical testing. Allele origin: germline.

Blueprint Genetics
Classification: Likely benign. Last evaluated: 2024-07-02. Review status: criteria provided, single submitter. Criteria: ACMG Guidelines, 2015. Collection method: clinical testing. Allele origin: germline.

Illumina Laboratory Services, Illumina
Classification: Benign for Catecholaminergic polymorphic ventricular tachycardia 1. Last evaluated: 2018-01-13. Review status: criteria provided, single submitter. Criteria: ICSL Variant Classification Criteria 13 December 2019. Collection method: clinical testing. Allele origin: germline.
Comment: This variant was observed in the ICSL laboratory as part of a predisposition screen in an ostensibly healthy population. It had not been previously curated by ICSL or reported in the Human Gene Mutation Database (HGMD: prior to June 1st, 2018), and was therefore a candidate for classification through an automated scoring system. Utilizing variant allele frequency, disease prevalence and penetrance estimates, and inheritance mode, an automated score was calculated to assess if this variant is too frequent to cause the disease. Based on the score and internal cut-off values, a variant classified as benign is not then subjected to further curation. The score for this variant resulted in a classification of benign for this disease.

Illumina Laboratory Services, Illumina
Classification: Likely benign for Catecholaminergic polymorphic ventricular tachycardia 1. Last evaluated: 2018-01-13. Review status: criteria provided, single submitter. Criteria: ICSL Variant Classification Criteria 13 December 2019. Collection method: clinical testing. Allele origin: germline.
Comment: This variant was observed in the ICSL laboratory as part of a predisposition screen in an ostensibly healthy population. It had not been previously curated by ICSL or reported in the Human Gene Mutation Database (HGMD: prior to June 1st, 2018), and was therefore a candidate for classification through an automated scoring system. Utilizing variant allele frequency, disease prevalence and penetrance estimates, and inheritance mode, an automated score was calculated to assess if this variant is too frequent to cause the disease. Based on the score and internal cut-off values, a variant classified as likely benign is not then subjected to further curation. The score for this variant resulted in a classification of likely benign for this disease.

Ambry Genetics
Classification: Benign for Cardiovascular phenotype. Last evaluated: 2014-12-08. Review status: criteria provided, single submitter. Criteria: Ambry Variant Classification Scheme 2023. Collection method: clinical testing. Allele origin: germline.

GeneDx
Classification: Benign. Last evaluated: 2014-01-15. Review status: criteria provided, single submitter. Criteria: GeneDx Variant Classification (06012015). Collection method: clinical testing. Allele origin: germline. Affected: yes.
Comment: This variant is considered likely benign or benign based on one or more of the following criteria: it is a conservative change, it occurs at a poorly conserved position in the protein, it is predicted to be benign by multiple in silico algorithms, and/or has population frequency not consistent with disease.

Eurofins Ntd Llc (ga)
Classification: Benign. Last evaluated: 2013-03-12. Review status: criteria provided, single submitter. Criteria: EGL Classification Definitions 2015. Collection method: clinical testing. Allele origin: germline. Observed: 1 variant allele, 1 heterozygote.

Laboratory for Molecular Medicine, Mass General Brigham Personalized Medicine
Classification: Benign. Last evaluated: 2012-10-25. Review status: criteria provided, single submitter. Criteria: LMM Criteria. Collection method: clinical testing. Allele origin: germline. Observed: 3 variant alleles.
Comment: 6555+8C>T in intron 42 of RYR2: This variant is not expected to have clinical si gnificance because it is has been identified in 4.2% (8/192) of Luhya (African) chromosomes by the 1000 Genomes project (dbSNP rs1759122).

Clinical Genetics DNA and cytogenetics Diagnostics Lab, Erasmus MC, Erasmus Medical Center
Classification: Likely benign. Review status: no assertion criteria provided. Collection method: clinical testing. Allele origin: germline. Affected: yes. Study: VKGL Data-share Consensus. Not counted in ClinVar's aggregate classification.

Diagnostic Laboratory, Department of Genetics, University Medical Center Groningen
Classification: Likely benign. Review status: no assertion criteria provided. Collection method: clinical testing. Allele origin: germline. Affected: yes. Study: VKGL Data-share Consensus. Not counted in ClinVar's aggregate classification.

NM_001035.3(RYR2):c.6555+8C>T

Gene: RYR2 (ryanodine receptor 2; plus strand). Cytogenetic location: 1q43.
Variant type: single nucleotide variant.
Coding change: c.6555+8C>T on transcript NM_001035.3 (MANE Select); 8 bases into the intron after coding-DNA position 6555, C replaced by T.
Molecular consequence: intron variant.
Genome position (GRCh38, 1-based): chr1:237,631,549, C>T. VCF-style: chr1-237631549-C-T. GRCh37 (hg19) VCF-style: chr1-237794849-C-T.
Identifiers: ClinVar variation 43816 (VCV000043816.50), dbSNP rs1759122, ClinGen allele CA010225.
Genomic context (GRCh38, chr1:237,631,549, plus strand): 5'-ACGAGACTGTGATGGAGGTCATGGTGAACGTCCTTGGAGGTGGAGAGTCCAAGGTAACGT[C>T]TTTGATTCCTGAGATGCTATTTAGTATCATCTCCTGGAGTATATAGATTGATATAGAATG-3'